The following is an entry in ClinVar:

NM_001376.5(DYNC1H1):c.7222G>A (p.Ala2408Thr)

Gene: DYNC1H1 (dynein cytoplasmic 1 heavy chain 1; plus strand). Cytogenetic location: 14q32.31.
Variant type: single nucleotide variant.
Coding change: c.7222G>A on transcript NM_001376.5 (MANE Select); coding-DNA position 7222, G replaced by A.
Protein change: p.Ala2408Thr; replaces alanine 2408 with threonine.
Molecular consequence: missense variant.
Genome position (GRCh38, 1-based): chr14:102,015,312, G>A. VCF-style: chr14-102015312-G-A. GRCh37 (hg19) VCF-style: chr14-102481649-G-A.
Other names: short protein forms A2408T.
Identifiers: ClinVar variation 3362102 (VCV003362102.1).

ClinVar aggregate classification (germline): Uncertain significance (1 of 4 stars; one submission).

gnomAD v4.1: 1 of 1,613,278 alleles (0.000062%); highest among the groups gnomAD compares: Non-Finnish European, 0.000085%; no homozygotes.

Submission:

GeneDx
Classification: Uncertain significance. Last evaluated: 2023-05-31. Review status: criteria provided, single submitter. Criteria: GeneDx Variant Classification Process June 2021. Collection method: clinical testing. Allele origin: germline. Affected: yes.
Comment: Not observed at significant frequency in large population cohorts (gnomAD); In silico analysis supports that this missense variant does not alter protein structure/function; Has not been previously published as pathogenic or benign to our knowledge; This variant is associated with the following publications: (PMID: 26100331, 25609763, 25512093)